The following is an entry in ClinVar:

ClinVar aggregate classification (germline): Uncertain significance (1 of 4 stars; one submission).

Conditions:
Hypertrophic cardiomyopathy 26. Also called: Cardiomyopathy, familial hypertrophic, 26. Identifiers: Orphanet 75249, MedGen C4310749, MONDO:0014883, OMIM 617047.
Myofibrillar myopathy 5. Also called: Filaminopathy (type); FILAMINOPATHY, AUTOSOMAL DOMINANT. Identifiers: Orphanet 171445, MedGen C1836050, MONDO:0012289, OMIM 609524.
Distal myopathy with posterior leg and anterior hand involvement. Also called: WILLIAMS DISTAL MYOPATHY. Identifiers: Orphanet 63273, MedGen C3279722, MONDO:0013550, OMIM 614065.

Submission:

Labcorp Genetics (formerly Invitae), Labcorp
Classification: Uncertain significance for Distal myopathy with posterior leg and anterior hand involvement; Myofibrillar myopathy 5; Hypertrophic cardiomyopathy 26. Last evaluated: 2023-07-17. Review status: criteria provided, single submitter. Criteria: Invitae Variant Classification Sherloc (09022015). Collection method: clinical testing. Allele origin: germline.
Comment: In summary, the available evidence is currently insufficient to determine the role of this variant in disease. Therefore, it has been classified as a Variant of Uncertain Significance. Advanced modeling of protein sequence and biophysical properties (such as structural, functional, and spatial information, amino acid conservation, physicochemical variation, residue mobility, and thermodynamic stability) has been performed at Invitae for this missense variant, however the output from this modeling did not meet the statistical confidence thresholds required to predict the impact of this variant on FLNC protein function. ClinVar contains an entry for this variant (Variation ID: 1504866). This variant has not been reported in the literature in individuals affected with FLNC-related conditions. This variant is not present in population databases (gnomAD no frequency). This sequence change replaces lysine, which is basic and polar, with arginine, which is basic and polar, at codon 1401 of the FLNC protein (p.Lys1401Arg).

NM_001458.5(FLNC):c.4202A>G (p.Lys1401Arg)

Gene: FLNC (filamin C; plus strand). Cytogenetic location: 7q32.1.
Variant type: single nucleotide variant.
Coding change: c.4202A>G on transcript NM_001458.5 (MANE Select); coding-DNA position 4202, A replaced by G.
Protein change: p.Lys1401Arg; replaces lysine 1401 with arginine.
Molecular consequence: missense variant.
Genome position (GRCh38, 1-based): chr7:128,846,819, A>G. VCF-style: chr7-128846819-A-G. GRCh37 (hg19) VCF-style: chr7-128486873-A-G.
Other names: c.4202A>G, p.Lys1401Arg (NM_001127487.2); short protein forms K1401R.
Identifiers: ClinVar variation 1504866 (VCV001504866.10), dbSNP rs1808588600, ClinGen allele CA369200632.